The following is an entry in ClinVar:

ClinVar aggregate classification (germline): Uncertain significance (1 of 4 stars; one submission).

Conditions:
Hereditary cancer-predisposing syndrome. Also called: Neoplastic Syndromes, Hereditary; Tumor predisposition; Hereditary neoplastic syndrome; Hereditary Cancer Syndrome. Identifiers: Orphanet 140162, MedGen C0027672, MeSH D009386, MONDO:0015356.

Submission:

Ambry Genetics
Classification: Uncertain significance for Hereditary cancer-predisposing syndrome. Last evaluated: 2023-01-30. Review status: criteria provided, single submitter. Criteria: Ambry Variant Classification Scheme 2023. Collection method: clinical testing. Allele origin: germline.
Comment: The p.E1404K variant (also known as c.4210G>A), located in coding exon 33 of the POLE gene, results from a G to A substitution at nucleotide position 4210. The glutamic acid at codon 1404 is replaced by lysine, an amino acid with similar properties. This amino acid position is conserved. In addition, the in silico prediction for this alteration is inconclusive. Since supporting evidence is limited at this time, the clinical significance of this alteration remains unclear.

NM_006231.4(POLE):c.4210G>A (p.Glu1404Lys)

Gene: POLE (DNA polymerase epsilon, catalytic subunit; minus strand). Cytogenetic location: 12q24.33.
Variant type: single nucleotide variant.
Coding change: c.4210G>A on transcript NM_006231.4 (MANE Select); coding-DNA position 4210, G replaced by A.
Protein change: p.Glu1404Lys; replaces glutamic acid 1404 with lysine.
Molecular consequence: missense variant.
Genome position (GRCh38, 1-based): chr12:132,643,917, C>T on the plus strand (G>A on the coding strand, the complement: POLE is on the minus strand). VCF-style: chr12-132643917-C-T. GRCh37 (hg19) VCF-style: chr12-133220503-C-T.
Other names: short protein forms E1404K.
Identifiers: ClinVar variation 3225455 (VCV003225455.1), dbSNP rs2138560639, ClinGen allele CA387382224.